The following is an entry in ClinVar:

NM_173728.4(ARHGEF15):c.1142A>G (p.Asp381Gly)

Gene: ARHGEF15 (Rho guanine nucleotide exchange factor 15; plus strand). Cytogenetic location: 17p13.1.
Variant type: single nucleotide variant.
Coding change: c.1142A>G on transcript NM_173728.4 (MANE Select); coding-DNA position 1142, A replaced by G.
Protein change: p.Asp381Gly; replaces aspartic acid 381 with glycine.
Molecular consequence: missense variant.
Genome position (GRCh38, 1-based): chr17:8,315,159, A>G. VCF-style: chr17-8315159-A-G. GRCh37 (hg19) VCF-style: chr17-8218477-A-G.
Other names: c.1142A>G, p.Asp381Gly (NM_025014.2); short protein forms D381G.
Identifiers: ClinVar variation 965456 (VCV000965456.8), dbSNP rs377531916, ClinGen allele CA8375097.

ClinVar aggregate classification (germline): Uncertain significance (1 of 4 stars; one submission).

Conditions:
Early-infantile DEE. Also called: Ohtahara syndrome; Early infantile epileptic encephalopathy with suppression bursts; Early infantile epileptic encephalopathy. Identifiers: Orphanet 1934, MedGen C0393706, MONDO:0800491.

Allele frequency attached by ClinVar (database versions not stated): gnomAD 0.00002; ExAC 0.00003; gnomAD exomes 0.00003 and 0.00017; TOPMed 0.00003; ESP Exome Variant Server 0.00008.
gnomAD v4.1: 244 of 1,613,876 alleles (0.015%); highest among the groups gnomAD compares: Non-Finnish European, 0.02%; no homozygotes.

Submission:

Labcorp Genetics (formerly Invitae), Labcorp
Classification: Uncertain significance for Early-infantile DEE. Last evaluated: 2025-07-23. Review status: criteria provided, single submitter. Criteria: Invitae Variant Classification Sherloc (09022015). Collection method: clinical testing. Allele origin: germline.
Comment: This sequence change replaces aspartic acid, which is acidic and polar, with glycine, which is neutral and non-polar, at codon 381 of the ARHGEF15 protein (p.Asp381Gly). This variant is present in population databases (rs377531916, gnomAD 0.007%). This variant has not been reported in the literature in individuals affected with ARHGEF15-related conditions. ClinVar contains an entry for this variant (Variation ID: 965456). An algorithm developed to predict the effect of missense changes on protein structure and function (PolyPhen-2) suggests that this variant is likely to be tolerated. In summary, the available evidence is currently insufficient to determine the role of this variant in disease. Therefore, it has been classified as a Variant of Uncertain Significance.